The following is an entry in ClinVar:

NM_000256.3(MYBPC3):c.1039G>A (p.Gly347Ser)

Gene: MYBPC3 (myosin binding protein C3; minus strand). Cytogenetic location: 11p11.2.
Variant type: single nucleotide variant.
Coding change: c.1039G>A on transcript NM_000256.3 (MANE Select); coding-DNA position 1039, G replaced by A.
Protein change: p.Gly347Ser; replaces glycine 347 with serine.
Molecular consequence: missense variant.
Genome position (GRCh38, 1-based): chr11:47,346,258, C>T on the plus strand (G>A on the coding strand, the complement: MYBPC3 is on the minus strand). VCF-style: chr11-47346258-C-T. GRCh37 (hg19) VCF-style: chr11-47367809-C-T.
Other names: short protein forms G347S.
Identifiers: ClinVar variation 42502 (VCV000042502.19), dbSNP rs397515884, ClinGen allele CA009719.
Genomic context (GRCh38, chr11:47,346,258, plus strand): 5'-AGGGCTAACCTGTGCTCTTCTTCTCATCGCGCCTCATGCCCTTGAGCCTCTTTAGCATGC[C>T]GCGCAGGTCAGTGACGCCGTACTGGAAGGCGATGCGCTCGTACTCAGATGGGGGTGCCTG-3'
Protein context (NP_000247.2, residues 337-357): AFQYGVTDLR[Gly347Ser]MLKRLKGMRR

ClinVar aggregate classification (germline): Conflicting classifications of pathogenicity. Review status: criteria provided, conflicting classifications (1 of 4 stars). 8 submissions from 8 submitters: Likely pathogenic (1); Uncertain significance (5). 2 of the submissions do not count toward it. Last evaluated 2025-08-08.

Conditions:
Cardiovascular phenotype. Identifiers: MedGen CN230736.
MYBPC3-related disorder. Also called: MYBPC3-related disorders; MYBPC3-related condition; MYBPC3-related disease.
Cardiomyopathy (CMYO). Also called: Cardiomyopathies. Identifiers: Orphanet 167848, MedGen C0878544, MONDO:0004994, HP:0001638. Inheritance: Various modes of inheritance.
Hypertrophic cardiomyopathy. Also called: HYPERTROPHIC MYOCARDIOPATHY. Identifiers: Orphanet 217569, MedGen C0007194, MeSH D002312, MONDO:0005045, HP:0001639.

Allele frequency attached by ClinVar (database versions not stated): gnomAD 0.00001; gnomAD exomes 0.00001; TOPMed 0.00001; ExAC 0.00002.
gnomAD v4.1: 13 of 1,613,766 alleles (0.00081%); highest among the groups gnomAD compares: East Asian, 0.0022%; no homozygotes.

Submissions (8):

Color Diagnostics, LLC DBA Color Health
Classification: Uncertain significance for Cardiomyopathy. Last evaluated: 2025-08-08. Review status: criteria provided, single submitter. Criteria: ACMG Guidelines, 2015. Collection method: clinical testing. Allele origin: germline.
Comment: This missense variant replaces glycine with serine at codon 347 of the MYBPC3 protein. Computational prediction suggests that this variant may not impact protein structure and function. To our knowledge, functional studies have not been reported for this variant. This variant has been reported in an individual suspected to have hypertrophic cardiomyopathy (PMID: 33673806). This variant has been identified in 3/248856 chromosomes in the general population by the Genome Aggregation Database (gnomAD). The available evidence is insufficient to determine the role of this variant in disease conclusively. Therefore, this variant is classified as a Variant of Uncertain Significance.

Labcorp Genetics (formerly Invitae), Labcorp
Classification: Uncertain significance for Hypertrophic cardiomyopathy. Last evaluated: 2025-06-24. Review status: criteria provided, single submitter. Criteria: Invitae Variant Classification Sherloc (09022015). Collection method: clinical testing. Allele origin: germline.
Comment: This sequence change replaces glycine, which is neutral and non-polar, with serine, which is neutral and polar, at codon 347 of the MYBPC3 protein (p.Gly347Ser). This variant is present in population databases (rs397515884, gnomAD 0.003%). This missense change has been observed in individual(s) with clinical features of hypertrophic cardiomyopathy (PMID: 33673806). ClinVar contains an entry for this variant (Variation ID: 42502). An algorithm developed to predict the effect of missense changes on protein structure and function (PolyPhen-2) suggests that this variant is likely to be disruptive. In summary, the available evidence is currently insufficient to determine the role of this variant in disease. Therefore, it has been classified as a Variant of Uncertain Significance.

Blueprint Genetics
Classification: Likely pathogenic for MYBPC3-related disorders. Last evaluated: 2024-10-21. Review status: criteria provided, single submitter. Criteria: ACMG Guidelines, 2015. Collection method: clinical testing. Allele origin: germline. Affected: yes. Observed: 1 variant allele.

PreventionGenetics, part of Exact Sciences
Classification: Uncertain significance for MYBPC3-related condition. Last evaluated: 2022-11-16. Review status: criteria provided, single submitter. Criteria: ACMG Guidelines, 2015. Collection method: clinical testing. Allele origin: germline.
Comment: The MYBPC3 c.1039G>A variant is predicted to result in the amino acid substitution p.Gly347Ser. This variant was reported in an individual with hypertrophic cardiomyopathy (Additional file 2, Hathaway et al. 2021. PubMed ID: 33673806). This variant is reported in 0.0027% of alleles in individuals of European (Non-Finnish) descent in gnomAD. At this time, the clinical significance of this variant is uncertain due to the absence of conclusive functional and genetic evidence.

Laboratory for Molecular Medicine, Mass General Brigham Personalized Medicine
Classification: Uncertain significance. Last evaluated: 2019-08-02. Review status: criteria provided, single submitter. Criteria: LMM Criteria. Collection method: clinical testing. Allele origin: germline. Observed: 1 variant allele.
Comment: Computational prediction tools and conservation analyses do not provide strong support for or against an impact to the protein. In summary, the clinical significance of this variant is uncertain. ACMG/AMP Criteria applied: PM2.

Ambry Genetics
Classification: Uncertain significance for Cardiovascular phenotype. Last evaluated: 2019-05-10. Review status: criteria provided, single submitter. Criteria: Ambry Variant Classification Scheme 2023. Collection method: clinical testing. Allele origin: germline.

Clinical Genetics DNA and cytogenetics Diagnostics Lab, Erasmus MC, Erasmus Medical Center
Classification: Uncertain significance. Review status: no assertion criteria provided. Collection method: clinical testing. Allele origin: germline. Affected: yes. Study: VKGL Data-share Consensus. Not counted in ClinVar's aggregate classification.

Clinical Genetics, Academic Medical Center
Classification: Uncertain significance. Review status: no assertion criteria provided. Collection method: clinical testing. Allele origin: germline. Affected: yes. Study: VKGL Data-share Consensus. Not counted in ClinVar's aggregate classification.

Literature cited by the submitters: PubMed 33673806 (cited by Color Diagnostics, LLC DBA Color Health and Labcorp Genetics (formerly Invitae), Labcorp).